The following is an entry in ClinVar:

NM_000053.4(ATP7B):c.1840G>A (p.Gly614Ser)

Gene: ATP7B (ATPase copper transporting beta; minus strand). Cytogenetic location: 13q14.3.
Variant type: single nucleotide variant.
Coding change: c.1840G>A on transcript NM_000053.4 (MANE Select); coding-DNA position 1840, G replaced by A.
Protein change: p.Gly614Ser; replaces glycine 614 with serine.
Molecular consequence: missense variant.
Genome position (GRCh38, 1-based): chr13:51,964,901, C>T on the plus strand (G>A on the coding strand, the complement: ATP7B is on the minus strand). VCF-style: chr13-51964901-C-T. GRCh37 (hg19) VCF-style: chr13-52539037-C-T.
Other names: c.1744G>A, p.Gly582Ser (NM_001406530.1, NM_001406536.1, NM_001406517.1 and 3 more transcripts); c.1840G>A, p.Gly614Ser (NM_001406531.1, NM_001406532.1, NM_001406534.1 and 24 more transcripts); c.1411G>A, p.Gly471Ser (NM_001406539.1); c.1507G>A, p.Gly503Ser (NM_001243182.2); c.1807G>A, p.Gly603Ser (NM_001406514.1, NM_001406524.1); short protein forms G603S, G614S, G582S, G471S, G503S.
Identifiers: ClinVar variation 2153144 (VCV002153144.3), dbSNP rs376565432, ClinGen allele CA6989214.

ClinVar aggregate classification (germline): Uncertain significance. Review status: criteria provided, multiple submitters, no conflicts (2 of 4 stars). 3 submissions from 3 submitters: Uncertain significance (3). Last evaluated 2024-01-04.

Conditions:
Wilson disease (WND). Also called: Wilson's disease. Identifiers: Orphanet 905, MedGen C0019202, MONDO:0010200, OMIM 277900. Disease mechanism: loss of function.

gnomAD v4.1: 19 of 1,613,978 alleles (0.0012%); highest among the groups gnomAD compares: South Asian, 0.016%; no homozygotes.

Submissions (3):

All of Us Research Program, National Institutes of Health
Classification: Uncertain significance for Wilson disease. Last evaluated: 2024-01-04. Review status: criteria provided, single submitter. Criteria: ACMG Guidelines, 2015. Collection method: clinical testing. Allele origin: germline. Inheritance: Autosomal recessive inheritance. Observed: 4 variant alleles, 4 heterozygotes.
Comment: This missense variant replaces glycine with serine at codon 614 of the ATP7B protein. Computational prediction is inconclusive regarding the impact of this variant on protein structure and function (internally defined REVEL score threshold 0.5 < inconclusive < 0.7, PMID: 27666373). To our knowledge, functional studies have not been reported for this variant. This variant has not been reported in individuals affected with ATP7B-related disorders in the literature. This variant has been identified in 6/249570 chromosomes in the general population by the Genome Aggregation Database (gnomAD). The available evidence is insufficient to determine the role of this variant in disease conclusively. Therefore, this variant is classified as a Variant of Uncertain Significance.

This study involves interpretation of variants in research participants for the purpose of population health screening. Participant phenotype was not available at the time of variant classification. Additional details can be found in publication PMID: 35346344, PMCID: PMC8962531

Color Diagnostics, LLC DBA Color Health
Classification: Uncertain significance for Wilson disease. Last evaluated: 2023-03-01. Review status: criteria provided, single submitter. Criteria: ACMG Guidelines, 2015. Collection method: clinical testing. Allele origin: germline.
Comment: This missense variant replaces glycine with serine at codon 614 of the ATP7B protein. Computational prediction is inconclusive regarding the impact of this variant on protein structure and function (internally defined REVEL score threshold 0.5 < inconclusive < 0.7, PMID: 27666373). To our knowledge, functional studies have not been reported for this variant. This variant has not been reported in individuals affected with ATP7B-related disorders in the literature. This variant has been identified in 6/249570 chromosomes in the general population by the Genome Aggregation Database (gnomAD). The available evidence is insufficient to determine the role of this variant in disease conclusively. Therefore, this variant is classified as a Variant of Uncertain Significance.

Labcorp Genetics (formerly Invitae), Labcorp
Classification: Uncertain significance for Wilson disease. Last evaluated: 2022-01-11. Review status: criteria provided, single submitter. Criteria: Invitae Variant Classification Sherloc (09022015). Collection method: clinical testing. Allele origin: germline.
Comment: This sequence change replaces glycine, which is neutral and non-polar, with serine, which is neutral and polar, at codon 614 of the ATP7B protein (p.Gly614Ser). This variant is present in population databases (rs376565432, gnomAD 0.02%). This variant has not been reported in the literature in individuals affected with ATP7B-related conditions. Algorithms developed to predict the effect of missense changes on protein structure and function (SIFT, PolyPhen-2, Align-GVGD) all suggest that this variant is likely to be disruptive. In summary, the available evidence is currently insufficient to determine the role of this variant in disease. Therefore, it has been classified as a Variant of Uncertain Significance.